The following is an entry in ClinVar:

NM_000081.4(LYST):c.6494T>C (p.Ile2165Thr)

Gene: LYST (lysosomal trafficking regulator; minus strand). Cytogenetic location: 1q42.3.
Variant type: single nucleotide variant.
Coding change: c.6494T>C on transcript NM_000081.4 (MANE Select); coding-DNA position 6494, T replaced by C.
Protein change: p.Ile2165Thr; replaces isoleucine 2165 with threonine.
Molecular consequence: missense variant.
Genome position (GRCh38, 1-based): chr1:235,759,359, A>G on the plus strand (T>C on the coding strand, the complement: LYST is on the minus strand). VCF-style: chr1-235759359-A-G. GRCh37 (hg19) VCF-style: chr1-235922659-A-G.
Other names: c.6494T>C, p.Ile2165Thr (NM_001301365.1); short protein forms I2165T.
Identifiers: ClinVar variation 2825826 (VCV002825826.3), dbSNP rs2527809467, ClinGen allele CA344941499.

ClinVar aggregate classification (germline): Uncertain significance (1 of 4 stars; one submission).

Conditions:
Chédiak-Higashi syndrome (CHS). Also called: Chediak-Higashi Syndrome. Identifiers: Orphanet 167, MedGen C0007965, MONDO:0008963, OMIM 214500.

Submission:

Labcorp Genetics (formerly Invitae), Labcorp
Classification: Uncertain significance for Chédiak-Higashi syndrome. Last evaluated: 2023-01-01. Review status: criteria provided, single submitter. Criteria: Invitae Variant Classification Sherloc (09022015). Collection method: clinical testing. Allele origin: germline.
Comment: In summary, the available evidence is currently insufficient to determine the role of this variant in disease. Therefore, it has been classified as a Variant of Uncertain Significance. Advanced modeling of protein sequence and biophysical properties (such as structural, functional, and spatial information, amino acid conservation, physicochemical variation, residue mobility, and thermodynamic stability) performed at Invitae indicates that this missense variant is not expected to disrupt LYST protein function. This variant has not been reported in the literature in individuals affected with LYST-related conditions. This variant is not present in population databases (gnomAD no frequency). This sequence change replaces isoleucine, which is neutral and non-polar, with threonine, which is neutral and polar, at codon 2165 of the LYST protein (p.Ile2165Thr).